The following is an entry in ClinVar:

NM_001018005.2(TPM1):c.343G>A (p.Glu115Lys)

Gene: TPM1 (tropomyosin 1; plus strand). Cytogenetic location: 15q22.2.
Variant type: single nucleotide variant.
Coding change: c.343G>A on transcript NM_001018005.2 (MANE Select); coding-DNA position 343, G replaced by A.
Protein change: p.Glu115Lys; replaces glutamic acid 115 with lysine.
Molecular consequence: missense variant.
Genome position (GRCh38, 1-based): chr15:63,057,087, G>A. VCF-style: chr15-63057087-G-A. GRCh37 (hg19) VCF-style: chr15-63349286-G-A.
Other names: c.343G>A, p.Glu115Lys (NM_000366.6, NM_001018004.2, NM_001018006.2 and 6 more transcripts); c.235G>A, p.Glu79Lys (NM_001018008.2, NM_001301289.2, NM_001330344.2 and 5 more transcripts); c.469G>A, p.Glu157Lys (NM_001365778.1); short protein forms E115K, E157K, E79K.
Identifiers: ClinVar variation 177761 (VCV000177761.16), dbSNP rs727504313, ClinGen allele CA017994.

ClinVar aggregate classification (germline): Conflicting classifications of pathogenicity. Review status: criteria provided, conflicting classifications (1 of 4 stars). 5 submissions from 5 submitters: Likely pathogenic (1); Uncertain significance (4). Last evaluated 2021-12-10.

Conditions:
Cardiomyopathy (CMYO). Also called: Cardiomyopathies. Identifiers: Orphanet 167848, MedGen C0878544, MONDO:0004994, HP:0001638. Inheritance: Various modes of inheritance.
Dilated cardiomyopathy 1Y (CMD1Y). Identifiers: Orphanet 154, Orphanet 54260, MedGen C2678476, MONDO:0012744, OMIM 611878.
Hypertrophic cardiomyopathy. Also called: HYPERTROPHIC MYOCARDIOPATHY. Identifiers: Orphanet 217569, MedGen C0007194, MeSH D002312, MONDO:0005045, HP:0001639.

Submissions (5):

Labcorp Genetics (formerly Invitae), Labcorp
Classification: Uncertain significance for Hypertrophic cardiomyopathy. Last evaluated: 2021-12-10. Review status: criteria provided, single submitter. Criteria: Invitae Variant Classification Sherloc (09022015). Collection method: clinical testing. Allele origin: germline.
Comment: This missense change has been observed in individual(s) with hypertrophic cardiomyopathy (PMID: 25611685, 27532257). ClinVar contains an entry for this variant (Variation ID: 177761). Algorithms developed to predict the effect of missense changes on protein structure and function are either unavailable or do not agree on the potential impact of this missense change (SIFT: "Deleterious"; PolyPhen-2: "Probably Damaging"; Align-GVGD: "Class C0"). In summary, the available evidence is currently insufficient to determine the role of this variant in disease. Therefore, it has been classified as a Variant of Uncertain Significance. This sequence change replaces glutamic acid, which is acidic and polar, with lysine, which is basic and polar, at codon 115 of the TPM1 protein (p.Glu115Lys). This variant is not present in population databases (gnomAD no frequency).

Laboratory of Medical Genetics, National & Kapodistrian University of Athens
Classification: Likely pathogenic for Dilated cardiomyopathy 1Y. Last evaluated: 2021-10-01. Review status: criteria provided, single submitter. Criteria: ACMG Guidelines, 2015. Collection method: clinical testing. Allele origin: unknown. Affected: yes.
Comment: PM1, PM2, PP2, PP3

CHEO Genetics Diagnostic Laboratory, Children's Hospital of Eastern Ontario
Classification: Uncertain significance for Cardiomyopathy. Last evaluated: 2020-01-08. Review status: criteria provided, single submitter. Criteria: ACMG Guidelines, 2015. Collection method: clinical testing. Allele origin: germline.

Laboratory for Molecular Medicine, Mass General Brigham Personalized Medicine
Classification: Uncertain significance. Last evaluated: 2018-11-23. Review status: criteria provided, single submitter. Criteria: LMM Criteria. Collection method: clinical testing. Allele origin: germline. Observed: 1 variant allele.
Comment: This variant has also been reported i n ClinVar (Variation ID 177761). Computational prediction tools and conservation analysis suggest that this variant may impact the protein, though this informat ion is not predictive enough to determine pathogenicity. In summary, the clinica l significance of the p.Glu115Lys variant is uncertain. ACMG/AMP Criteria applie d: PM2, PP3.

GeneDx
Classification: Uncertain significance. Last evaluated: 2017-10-20. Review status: criteria provided, single submitter. Criteria: GeneDx Variant Classification (06012015). Collection method: clinical testing. Allele origin: germline. Affected: yes.
Comment: The E115K variant of uncertain significance has been identified in the TPM1 gene. E115K has previously beenreported as a likely pathogenic variant in one individual diagnosed with HCM (Alfares et al., 2015; Walsh et al.,2017), though no specific clinical details or segregation data were provided. The E115K variant is anon-conservative amino acid substitution, which is likely to impact secondary protein structure as these residues differin polarity, charge, size and/or other properties. Moreover, this substitution occurs at a position that is conservedacross species, and in silico analysis predicts this variant is probably damaging to the protein structure/function.However, this variant has not been observed in a significant number of affected individuals and it lacks bothsegregation and functional studies which would further clarify its pathogenicity.

Literature cited by the submitters: PubMed 25611685 (cited by Labcorp Genetics (formerly Invitae), Labcorp); PubMed 27532257 (cited by Labcorp Genetics (formerly Invitae), Labcorp); PubMed 34008892 (cited by Laboratory of Medical Genetics, National & Kapodistrian University of Athens).